The following is an entry in ClinVar:

NM_001012614.2(CTBP1):c.465G>A (p.Ala155=)

Gene: CTBP1 (C-terminal binding protein 1; minus strand). Cytogenetic location: 4p16.3.
Variant type: single nucleotide variant.
Coding change: c.465G>A on transcript NM_001012614.2 (MANE Select); coding-DNA position 465, G replaced by A.
Protein change: p.Ala155=; no amino-acid change (alanine 155 retained).
Molecular consequence: synonymous variant.
Genome position (GRCh38, 1-based): chr4:1,225,409, C>T on the plus strand (G>A on the coding strand, the complement: CTBP1 is on the minus strand). VCF-style: chr4-1225409-C-T. GRCh37 (hg19) VCF-style: chr4-1219197-C-T.
Other names: c.498G>A, p.Ala166= (NM_001328.3, NM_001377186.1); c.465G>A, p.Ala155= (NM_001377187.1, NM_001377188.1, NM_001377189.1 and 4 more transcripts).
Identifiers: ClinVar variation 3025069 (VCV003025069.22), dbSNP rs372503163, ClinGen allele CA2804419.

ClinVar aggregate classification (germline): Likely benign (1 of 4 stars; one submission).

gnomAD v4.1: 13 of 1,566,032 alleles (0.00083%); highest among the groups gnomAD compares: Middle Eastern, 0.034%; no homozygotes.

Submission:

CeGaT Center for Human Genetics Tuebingen
Classification: Likely benign. Last evaluated: 2024-02-01. Review status: criteria provided, single submitter. Criteria: CeGaT Center For Human Genetics Tuebingen Variant Classification Criteria Version 2. Collection method: clinical testing. Allele origin: germline. Affected: yes. Observed: 1 variant allele.
Comment: CTBP1: BP4, BP7